The following is an entry in ClinVar:

ClinVar aggregate classification (germline): Likely benign. Review status: criteria provided, multiple submitters, no conflicts (2 of 4 stars). 2 submissions from 2 submitters: Likely benign (2). Last evaluated 2026-07-07.

Conditions:
Rhabdoid tumor predisposition syndrome 2 (RTPS2). Identifiers: Orphanet 231108, Orphanet 69077, MedGen C2750074, MONDO:0013224, OMIM 613325.

Allele frequency attached by ClinVar (database versions not stated): gnomAD 0.00001; ExAC 0.00001; gnomAD exomes 0.00001.
gnomAD v4.1: 4 of 1,613,806 alleles (0.00025%); highest among the groups gnomAD compares: East Asian, 0.0089%; no homozygotes.

Submissions (2):

Myriad Genetics, Inc.
Classification: Likely benign for Rhabdoid tumor predisposition syndrome 2. Last evaluated: 2026-07-07. Review status: criteria provided, single submitter. Criteria: Myriad Autosomal Dominant, Autosomal Recessive and X-Linked Classification Criteria (2023). Collection method: clinical testing. Allele origin: unknown.
Comment: This variant is considered likely benign. This variant is intronic and is not expected to impact mRNA splicing.

Labcorp Genetics (formerly Invitae), Labcorp
Classification: Likely benign for Rhabdoid tumor predisposition syndrome 2. Last evaluated: 2025-04-21. Review status: criteria provided, single submitter. Criteria: Invitae Variant Classification Sherloc (09022015). Collection method: clinical testing. Allele origin: germline.

NM_003072.5(SMARCA4):c.3216-12T>C

Gene: SMARCA4 (SWI/SNF related BAF chromatin remodeling complex subunit ATPase 4; plus strand). Cytogenetic location: 19p13.2.
Variant type: single nucleotide variant.
Coding change: c.3216-12T>C on transcript NM_003072.5 (MANE Select); 12 bases into the intron before coding-DNA position 3216, T replaced by C.
Molecular consequence: intron variant.
Genome position (GRCh38, 1-based): chr19:11,027,772, T>C. VCF-style: chr19-11027772-T-C. GRCh37 (hg19) VCF-style: chr19-11138448-T-C.
Other names: c.3216-12T>C (NM_001128844.3, NM_001128849.3, NM_001128847.4 and 6 more transcripts).
Identifiers: ClinVar variation 2779535 (VCV002779535.4), dbSNP rs766336694, ClinGen allele CA9204377.